The following is an entry in ClinVar:

NM_031475.3(ESPN):c.1136A>G (p.Asn379Ser)

Gene: ESPN (espin; plus strand). Cytogenetic location: 1p36.31.
Variant type: single nucleotide variant.
Coding change: c.1136A>G on transcript NM_031475.3 (MANE Select); coding-DNA position 1136, A replaced by G.
Protein change: p.Asn379Ser; replaces asparagine 379 with serine.
Molecular consequence: missense variant.
Genome position (GRCh38, 1-based): chr1:6,444,626, A>G. VCF-style: chr1-6444626-A-G. GRCh37 (hg19) VCF-style: chr1-6504686-A-G.
Other names: c.1136A>G, p.Asn379Ser (NM_001367473.1, NM_001367474.1); short protein forms N379S.
Identifiers: ClinVar variation 3903191 (VCV003903191.3).
Genomic context (GRCh38, chr1:6,444,626, plus strand): 5'-CCACGGTGTCGGTCCAGCCGCTGAACTTTGACCTCAGCTCGCCTACCAGCACCCTCTCCA[A>G]CTACGACTCCTGCTCCTCCAGCCACTCCAGCATCAAGGGCCAGCACCCTCCATGTGGTGA-3'
Protein context (NP_113663.2, residues 369-389): DLSSPTSTLS[Asn379Ser]YDSCSSSHSS

ClinVar aggregate classification (germline): Uncertain significance. Review status: criteria provided, multiple submitters, no conflicts (2 of 4 stars). 3 submissions from 3 submitters: Uncertain significance (3). Last evaluated 2025-07-24.

Conditions:
ESPN-related disorder. Also called: ESPN-related condition.

gnomAD v4.1: 339 of 1,613,910 alleles (0.021%); highest among the groups gnomAD compares: Non-Finnish European, 0.027%; no homozygotes.

Submissions (3):

PreventionGenetics, part of Exact Sciences
Classification: Uncertain significance for ESPN-related condition. Last evaluated: 2025-07-24. Review status: criteria provided, single submitter. Criteria: ACMG Guidelines, 2015. Collection method: clinical testing. Allele origin: germline.
Comment: The ESPN c.1136A>G variant is predicted to result in the amino acid substitution p.Asn379Ser. To our knowledge, this variant has not been reported in the literature. This variant is reported in 0.012% of alleles in individuals of European (Non-Finnish) descent in gnomAD. At this time, the clinical significance of this variant is uncertain due to the absence of conclusive functional and genetic evidence.

GeneDx
Classification: Uncertain significance. Last evaluated: 2024-12-10. Review status: criteria provided, single submitter. Criteria: GeneDx Variant Classification Process June 2021. Collection method: clinical testing. Allele origin: germline. Affected: yes.
Comment: Has not been previously published as pathogenic or benign to our knowledge; In silico analysis supports that this missense variant has a deleterious effect on protein structure/function

Blueprint Genetics
Classification: Uncertain significance. Last evaluated: 2024-11-18. Review status: criteria provided, single submitter. Criteria: ACMG Guidelines, 2015. Collection method: clinical testing. Allele origin: germline.